The following is an entry in ClinVar:

ClinVar aggregate classification (germline): Likely benign (0 of 4 stars; one submission).

Conditions:
PLXNA4-related disorder. Also called: PLXNA4-related condition.

Allele frequency attached by ClinVar (database versions not stated): gnomAD 0.00003; gnomAD exomes 0.00005; TOPMed 0.00009; ExAC 0.00015.
gnomAD v4.1: 77 of 1,613,594 alleles (0.0048%); highest among the groups gnomAD compares: Admixed American, 0.12%; no homozygotes.

Submission:

PreventionGenetics, part of Exact Sciences
Classification: Likely benign for PLXNA4-related condition. Last evaluated: 2021-06-24. Review status: no assertion criteria provided. Collection method: clinical testing. Allele origin: germline.
Comment: This variant is classified as likely benign based on ACMG/AMP sequence variant interpretation guidelines (Richards et al. 2015 PMID: 25741868, with internal and published modifications).

NM_020911.2(PLXNA4):c.1971C>T (p.Ser657=)

Gene: PLXNA4 (plexin A4; minus strand). Cytogenetic location: 7q32.3.
Variant type: single nucleotide variant.
Coding change: c.1971C>T on transcript NM_020911.2 (MANE Select); coding-DNA position 1971, C replaced by T.
Protein change: p.Ser657=; no amino-acid change (serine 657 retained).
Molecular consequence: synonymous variant.
Genome position (GRCh38, 1-based): chr7:132,226,172, G>A on the plus strand (C>T on the coding strand, the complement: PLXNA4 is on the minus strand). VCF-style: chr7-132226172-G-A. GRCh37 (hg19) VCF-style: chr7-131910931-G-A.
Other names: c.1971C>T, p.Ser657= (NM_001393897.1).
Identifiers: ClinVar variation 3052252 (VCV003052252.2), dbSNP rs773172918, ClinGen allele CA4489945.